The following is an entry in ClinVar:

ClinVar aggregate classification (germline): Uncertain significance (1 of 4 stars; one submission).

Conditions:
Emery-Dreifuss muscular dystrophy 5, autosomal dominant (EDMD5). Also called: EMERY-DREIFUSS MUSCULAR DYSTROPHY 5. Identifiers: Orphanet 261, MedGen C2751805, MONDO:0013072, OMIM 612999.

Submission:

Labcorp Genetics (formerly Invitae), Labcorp
Classification: Uncertain significance for Emery-Dreifuss muscular dystrophy 5, autosomal dominant. Last evaluated: 2019-12-19. Review status: criteria provided, single submitter. Criteria: Invitae Variant Classification Sherloc (09022015). Collection method: clinical testing. Allele origin: germline.
Comment: This sequence change creates a premature translational stop signal (p.Gln1529*) in the SYNE2 gene. It is expected to result in an absent or disrupted protein product. This variant is not present in population databases (ExAC no frequency). This variant has not been reported in the literature in individuals with SYNE2-related conditions. The current clinical and genetic evidence is not sufficient to establish whether loss-of-function variants in SYNE2 cause disease. In summary, the available evidence is currently insufficient to determine the role of this variant in disease. Therefore, it has been classified as a Variant of Uncertain Significance.

NM_182914.3(SYNE2):c.4585C>T (p.Gln1529Ter)

Gene: SYNE2 (spectrin repeat containing nuclear envelope protein 2; plus strand). Cytogenetic location: 14q23.2.
Variant type: single nucleotide variant.
Coding change: c.4585C>T on transcript NM_182914.3 (MANE Select); coding-DNA position 4585, C replaced by T.
Protein change: p.Gln1529Ter; replaces glutamine 1529 with a stop codon.
Molecular consequence: nonsense.
Genome position (GRCh38, 1-based): chr14:64,009,973, C>T. VCF-style: chr14-64009973-C-T. GRCh37 (hg19) VCF-style: chr14-64476691-C-T.
Other names: c.4585C>T, p.Gln1529Ter (NM_015180.6); short protein forms Q1529*.
Identifiers: ClinVar variation 859095 (VCV000859095.1), dbSNP rs2096831020, ClinGen allele CA389935700.